The following is an entry in ClinVar:

ClinVar aggregate classification (germline): Uncertain significance (1 of 4 stars; one submission).

Allele frequency attached by ClinVar (database versions not stated): gnomAD exomes below 0.00001 and 0.00001; TOPMed 0.00001; ExAC 0.00002.
gnomAD v4.1: 3 of 1,614,268 alleles (0.00019%); highest among the groups gnomAD compares: Admixed American, 0.0033%; no homozygotes.

Submission:

Labcorp Genetics (formerly Invitae), Labcorp
Classification: Uncertain significance. Last evaluated: 2021-05-19. Review status: criteria provided, single submitter. Criteria: Invitae Variant Classification Sherloc (09022015). Collection method: clinical testing. Allele origin: germline.
Comment: In summary, the available evidence is currently insufficient to determine the role of this variant in disease. Therefore, it has been classified as a Variant of Uncertain Significance. Algorithms developed to predict the effect of missense changes on protein structure and function output the following: SIFT: "Deleterious"; PolyPhen-2: "Benign"; Align-GVGD: "Class C0". The valine amino acid residue is found in multiple mammalian species, suggesting that this missense change does not adversely affect protein function. These predictions have not been confirmed by published functional studies and their clinical significance is uncertain. This variant has not been reported in the literature in individuals with REST-related conditions. This variant is present in population databases (rs749525936, ExAC 0.02%). This sequence change replaces leucine with valine at codon 850 of the REST protein (p.Leu850Val). The leucine residue is moderately conserved and there is a small physicochemical difference between leucine and valine.

NM_005612.5(REST):c.2548C>G (p.Leu850Val)

Gene: REST (RE1 silencing transcription factor; plus strand). Cytogenetic location: 4q12.
Variant type: single nucleotide variant.
Coding change: c.2548C>G on transcript NM_005612.5 (MANE Select); coding-DNA position 2548, C replaced by G.
Protein change: p.Leu850Val; replaces leucine 850 with valine.
Molecular consequence: missense variant.
Genome position (GRCh38, 1-based): chr4:56,931,406, C>G. VCF-style: chr4-56931406-C-G. GRCh37 (hg19) VCF-style: chr4-57797572-C-G.
Other names: c.2548C>G, p.Leu850Val (NM_001193508.2, NM_001363453.3); short protein forms L850V.
Identifiers: ClinVar variation 1418102 (VCV001418102.8), dbSNP rs749525936, ClinGen allele CA2932511.
Genomic context (GRCh38, chr4:56,931,406, plus strand): 5'-AGGGCACGGAAGGAGCAAGTCCTTATTGAAGTTGGCTTAGTGCCTGTTAAAGATAGCTGG[C>G]TTCTAAAGGAAAGTGTAAGCACAGAGGATCTCTCACCACCATCACCACCACTGCCAAAGG-3'
Protein context (NP_005603.3, residues 840-860): VGLVPVKDSW[Leu850Val]LKESVSTEDL